The following is an entry in ClinVar:

ClinVar aggregate classification (germline): Likely pathogenic (1 of 4 stars; one submission).

Conditions:
Nemaline myopathy 2 (NEM2). Also called: Nemaline myopathy 2, autosomal recessive. Identifiers: MedGen C1850569, MONDO:0009725, OMIM 256030.

Submission:

Myriad Genetics, Inc.
Classification: Likely pathogenic for Nemaline myopathy 2. Last evaluated: 2022-01-25. Review status: criteria provided, single submitter. Criteria: Myriad Women's Health Autosomal Recessive and X-Linked Classification Criteria (2021). Collection method: clinical testing. Allele origin: unknown.
Comment: NM_001271208.1(NEB):c.10882A>T(K3628*) is expected to be pathogenic in the context of NEB-related nemaline myopathy. This variant is predicted to lead to an abnormal or absent protein product due to the creation of a premature termination codon in NEB, a gene where loss-of-function variants are known to be pathogenic. Please note: this variant was assessed in the context of healthy population screening.

NM_001164508.2(NEB):c.10882A>T (p.Lys3628Ter)

Gene: NEB (nebulin; minus strand). Cytogenetic location: 2q23.3.
Variant type: single nucleotide variant.
Coding change: c.10882A>T on transcript NM_001164508.2 (MANE Select); coding-DNA position 10882, A replaced by T.
Protein change: p.Lys3628Ter; replaces lysine 3628 with a stop codon.
Molecular consequence: nonsense.
Genome position (GRCh38, 1-based): chr2:151,618,469, T>A on the plus strand (A>T on the coding strand, the complement: NEB is on the minus strand). VCF-style: chr2-151618469-T-A. GRCh37 (hg19) VCF-style: chr2-152474983-T-A.
Other names: c.10882A>T, p.Lys3628Ter (NM_001164507.2, NM_001271208.2); c.10153A>T, p.Lys3385Ter (NM_004543.5); short protein forms K3385*, K3628*.
Identifiers: ClinVar variation 1724106 (VCV001724106.2), dbSNP rs2552232137, ClinGen allele CA348786744.